The following is an entry in ClinVar:

NM_014989.7(RIMS1):c.1784G>A (p.Arg595Gln)

Gene: RIMS1 (regulating synaptic membrane exocytosis 1; plus strand). Cytogenetic location: 6q13.
Variant type: single nucleotide variant.
Coding change: c.1784G>A on transcript NM_014989.7 (MANE Select); coding-DNA position 1784, G replaced by A.
Protein change: p.Arg595Gln; replaces arginine 595 with glutamine.
Molecular consequence: missense variant. On other transcripts: 5 prime UTR variant (9).
Genome position (GRCh38, 1-based): chr6:72,235,655, G>A. VCF-style: chr6-72235655-G-A. GRCh37 (hg19) VCF-style: chr6-72945358-G-A.
Other names: c.206G>A, p.Arg69Gln (NM_001350456.2, NM_001350457.2, NM_001350458.2 and 37 more transcripts); c.137G>A, p.Arg46Gln (NM_001350459.2, NM_001350462.2, NM_001350471.2 and 6 more transcripts); c.-38G>A (NM_001350461.2, NM_001350463.2, NM_001350464.2 and 6 more transcripts); c.161G>A, p.Arg54Gln (NM_001350470.2, NM_001350472.2, NM_001350473.2 and 2 more transcripts); short protein forms R46Q, R69Q, R54Q, R595Q.
Identifiers: ClinVar variation 866508 (VCV000866508.10), dbSNP rs368099198, ClinGen allele CA3885818.

ClinVar aggregate classification (germline): Conflicting classifications of pathogenicity. Review status: criteria provided, conflicting classifications (1 of 4 stars). 2 submissions from 2 submitters: Uncertain significance (1); Likely benign (1). Last evaluated 2024-09-13.

Allele frequency attached by ClinVar (database versions not stated): ExAC below 0.00001; gnomAD exomes 0.00001 and 0.00005; gnomAD 0.00002; TOPMed 0.00002; ESP Exome Variant Server 0.00008.
gnomAD v4.1: 80 of 1,610,994 alleles (0.005%); highest among the groups gnomAD compares: Non-Finnish European, 0.0066%; no homozygotes.

Submissions (2):

Blueprint Genetics
Classification: Likely benign. Last evaluated: 2024-09-13. Review status: criteria provided, single submitter. Criteria: ACMG Guidelines, 2015. Collection method: clinical testing. Allele origin: germline.

Labcorp Genetics (formerly Invitae), Labcorp
Classification: Uncertain significance. Last evaluated: 2024-04-17. Review status: criteria provided, single submitter. Criteria: Invitae Variant Classification Sherloc (09022015). Collection method: clinical testing. Allele origin: germline.
Comment: This sequence change replaces arginine, which is basic and polar, with glutamine, which is neutral and polar, at codon 595 of the RIMS1 protein (p.Arg595Gln). The frequency data for this variant in the population databases is considered unreliable, as metrics indicate poor data quality at this position in the gnomAD database. This variant has not been reported in the literature in individuals affected with RIMS1-related conditions. ClinVar contains an entry for this variant (Variation ID: 866508). An algorithm developed to predict the effect of missense changes on protein structure and function (PolyPhen-2) suggests that this variant is likely to be tolerated. In summary, the available evidence is currently insufficient to determine the role of this variant in disease. Therefore, it has been classified as a Variant of Uncertain Significance.